The following is an entry in ClinVar:

ClinVar aggregate classification (germline): Pathogenic/Likely pathogenic. Review status: criteria provided, multiple submitters, no conflicts (2 of 4 stars). 4 submissions from 4 submitters: Pathogenic (2); Likely pathogenic (1). 1 of the submissions does not count toward it. Last evaluated 2025-10-08.
ClinVar aggregate classification (somatic clinical impact): Tier II - Potential (1 of 4 stars; one submission).
ClinVar aggregate classification (oncogenicity): Oncogenic (1 of 4 stars; one submission).

Conditions:
SMO-related disorder. Also called: SMO-related condition.
Curry-Jones syndrome (CRJS). Identifiers: Orphanet 1553, MedGen C0795915, MONDO:0011134, OMIM 601707.
Medulloblastoma WNT activated. Identifiers: MedGen C4331965, MONDO:0850196.
Meningioma. Also called: Meningioma, somatic. Identifiers: Orphanet 2495, MedGen C0025286, MONDO:0016642, HP:0002858.

Submissions (6):

PreventionGenetics, part of Exact Sciences
Classification: Likely pathogenic for SMO-related condition. Last evaluated: 2025-10-08. Review status: criteria provided, single submitter. Criteria: ACMG Guidelines, 2015. Collection method: clinical testing. Allele origin: germline.
Comment: The SMO c.1234C>T variant is predicted to result in the amino acid substitution p.Leu412Phe. This variant has been reported as a somatic mosaic variant in at least twelve individuals with Curry-Jones syndrome or Happle-Tinschert syndrome (Twigg et al. 2016. PubMed ID: 27236920; Cano et al. 2023. PubMed ID: 36707059). Functional studies using SMO knock-out mice, demonstrate this variant activates SMO in the absence of hedgehog (Hh) signaling (Twigg et al. 2016. PubMed ID: 27236920). This variant has not been reported in a large population database (gnomAD), indicating this variant is rare. It is interpreted as pathogenic in ClinVar (ClinVar ID: 245609). This variant is interpreted as likely pathogenic.

Dr. Guy Rouleau's laboratory, McGill University
Classification: Oncogenic for Meningioma. Last evaluated: 2025-03-30. Review status: criteria provided, single submitter. Criteria: ClinGen/CGC/VICC Guidelines for Oncogenicity, 2022. Collection method: research. Allele origin: somatic. Affected: yes.
Comment: This missense variant, located at position 412 in the SMO gene, results in the substitution of Leucine (L), a neutral and non-polar amino acid, with Phenylalanine (F), an aromatic amino acid. This somatic variant was identified in a paired tumor-blood sequencing study of meningiomas. It has been reported in COSMIC (ID: COSV50824425) in meningiomas, basal cell carcinoma, and ameloblastoma and is associated with the following publications (PMIDs: 26822128, 27236920, 28082415, 34972722, 34994576). However, this variant has not been documented in population databases (gnomAD v2.1.1: no frequency).

Institute for Genomic Medicine (IGM) Clinical Laboratory, Nationwide Children's Hospital
Classification: Tier II - Potential for Medulloblastoma WNT activated. Assertion type: diagnostic. Clinical significance: supports diagnosis. Last evaluated: 2023-09-28. Review status: criteria provided, single submitter. Criteria: AMP/ASCO/CAP Guidelines, 2017. Collection method: clinical testing. Allele origin: somatic. Affected: yes.
Comment: Variant has Tier II (potential) clinical significance as a diagnostic inclusion criterion in medulloblastoma WNT activated, based on the following evidence: 1) Documented in one or more cancer databases (e.g., St. Jude Pecan, COSMIC, CIViC, OncoKB). 2) Information in the literature supports potential biologic effect of variant (PMID: 25759020). 3) Diagnostic significance based on multiple small studies (Evidence Level C; PMIDs: 28726821, 34409497, 26389418, 33741928, 24651015, 29435664).

Blueprint Genetics
Classification: Pathogenic for SMO-related disorders. Last evaluated: 2021-11-25. Review status: criteria provided, single submitter. Criteria: ACMG Guidelines, 2015. Collection method: clinical testing. Allele origin: de novo. Affected: yes. Observed: 1 variant allele.

Undiagnosed Diseases Network, NIH
Classification: Pathogenic for Curry-Jones syndrome. Last evaluated: 2019-03-22. Review status: criteria provided, single submitter. Criteria: ACMG Guidelines, 2015. Collection method: clinical testing. Allele origin: somatic. Inheritance: Autosomal dominant inheritance. Affected: yes. Observed: 1 variant allele, 1 heterozygote, 1 mosaic individual. Study: Undiagnosed Diseases Network (NIH), UDN.
Comment: The c.1234C>T (p.L412F) variant has been reported as a recurrent somatic mutation in multiple affected individuals [PMID 27236920].

OMIM
Classification: Pathogenic for CURRY-JONES SYNDROME, SOMATIC MOSAIC. Last evaluated: 2019-10-11. Review status: no assertion criteria provided. Collection method: literature only. Allele origin: somatic. Not counted in ClinVar's aggregate classification.

Literature cited by the submitters: PubMed 25759020 (cited by Institute for Genomic Medicine (IGM) Clinical Laboratory, Nationwide Children's Hospital); PubMed 28726821 (cited by Institute for Genomic Medicine (IGM) Clinical Laboratory, Nationwide Children's Hospital); PubMed 34409497 (cited by Institute for Genomic Medicine (IGM) Clinical Laboratory, Nationwide Children's Hospital); PubMed 26389418 (cited by Institute for Genomic Medicine (IGM) Clinical Laboratory, Nationwide Children's Hospital); PubMed 33741928 (cited by Institute for Genomic Medicine (IGM) Clinical Laboratory, Nationwide Children's Hospital); PubMed 24651015 (cited by Institute for Genomic Medicine (IGM) Clinical Laboratory, Nationwide Children's Hospital); PubMed 29435664 (cited by Institute for Genomic Medicine (IGM) Clinical Laboratory, Nationwide Children's Hospital); PubMed 3144990 (cited by OMIM); PubMed 7606318 (cited by OMIM); PubMed 16531740 (cited by OMIM); PubMed 18798318 (cited by OMIM); PubMed 27236920 (cited by OMIM).

NM_005631.5(SMO):c.1234C>T (p.Leu412Phe)

Gene: SMO (smoothened, frizzled class receptor; plus strand). Cytogenetic location: 7q32.1.
Variant type: single nucleotide variant.
Coding change: c.1234C>T on transcript NM_005631.5 (MANE Select); coding-DNA position 1234, C replaced by T.
Protein change: p.Leu412Phe; replaces leucine 412 with phenylalanine.
Molecular consequence: missense variant.
Genome position (GRCh38, 1-based): chr7:129,206,557, C>T. VCF-style: chr7-129206557-C-T. GRCh37 (hg19) VCF-style: chr7-128846398-C-T.
Other names: short protein forms L412F.
Identifiers: ClinVar variation 245609 (VCV000245609.10), dbSNP rs879255280, ClinGen allele CA10584652.
Genomic context (GRCh38, chr7:129,206,557, plus strand): 5'-GTGGGCTACAAGAACTACCGATACCGTGCGGGCTTCGTGCTGGCCCCAATCGGCCTGGTG[C>T]TCATCGTGGGAGGCTACTTCCTCATCCGAGGTGAGTGAAGACCAGGCCAGGACCAGTTGG-3'
Protein context (NP_005622.1, residues 402-422): GFVLAPIGLV[Leu412Phe]IVGGYFLIRG